The following is an entry in ClinVar:

ClinVar aggregate classification (germline): Likely benign (1 of 4 stars; one submission).

Allele frequency attached by ClinVar (database versions not stated): TOPMed 0.01436; gnomAD 0.01452; 1000 Genomes Project 0.02376; 1000 Genomes Project 30x 0.02389.
gnomAD v4.1: 15,269 of 812,752 alleles (1.9%); highest among the groups gnomAD compares: East Asian, 9.3%; 284 homozygotes.

Submissions (4):

GeneDx
Classification: Likely benign. Last evaluated: 2020-06-12. Review status: criteria provided, single submitter. Criteria: GeneDx Variant Classification Process June 2021. Collection method: clinical testing. Allele origin: germline. Affected: yes.
Comment: See Variant Classification Assertion Criteria.

Dr. Peter K. Rogan Lab, Western University
No classification provided (evidence only). Condition: Cervical cancer. Review status: no classification provided. Collection method: in vitro. Allele origin: not applicable. Functional consequence: retained intron. Not counted in ClinVar's aggregate classification.

Dr. Peter K. Rogan Lab, Western University
No classification provided (evidence only). Condition: Hepatocellular carcinoma. Review status: no classification provided. Collection method: in vitro. Allele origin: not applicable. Functional consequence: retained intron. Not counted in ClinVar's aggregate classification.

Dr. Peter K. Rogan Lab, Western University
No classification provided (evidence only). Condition: Malignant tumor of esophagus. Review status: no classification provided. Collection method: in vitro. Allele origin: not applicable. Functional consequence: retained intron. Not counted in ClinVar's aggregate classification.

NM_018417.6(ADCY10):c.1407-140G>A

Genes: ADCY10 (adenylate cyclase 10; minus strand), DCAF6 (DDB1 and CUL4 associated factor 6; plus strand). Cytogenetic location: 1q24.2.
Variant type: single nucleotide variant.
Coding change: c.1407-140G>A on transcript NM_018417.6 (MANE Select); 140 bases into the intron before coding-DNA position 1407, G replaced by A.
Molecular consequence: intron variant.
Genome position (GRCh38, 1-based): chr1:167,875,326, C>T on the plus strand (G>A on the coding strand, the complement: ADCY10 is on the minus strand). VCF-style: chr1-167875326-C-T. GRCh37 (hg19) VCF-style: chr1-167844564-C-T.
Other names: NC_000001.10:g.167844564C>T; c.948-140G>A (NM_001167749.3); c.1131-140G>A (NM_001297772.2).
Identifiers: ClinVar variation 1706798 (VCV001706798.3), dbSNP rs77409274, ClinGen allele CA10817857.